The following is an entry in ClinVar:

NM_133433.4(NIPBL):c.3949A>G (p.Ile1317Val)

Gene: NIPBL (NIPBL cohesin loading factor; plus strand). Cytogenetic location: 5p13.2.
Variant type: single nucleotide variant.
Coding change: c.3949A>G on transcript NM_133433.4 (MANE Select); coding-DNA position 3949, A replaced by G.
Protein change: p.Ile1317Val; replaces isoleucine 1317 with valine.
Molecular consequence: missense variant.
Genome position (GRCh38, 1-based): chr5:37,006,450, A>G. VCF-style: chr5-37006450-A-G. GRCh37 (hg19) VCF-style: chr5-37006552-A-G.
Other names: c.3949A>G, p.Ile1317Val (NM_015384.5); short protein forms I1317V.
Identifiers: ClinVar variation 989375 (VCV000989375.6), dbSNP rs1747443386, ClinGen allele CA359524061.
Genomic context (GRCh38, chr5:37,006,450, plus strand): 5'-AGAGACCTTATTATGGAGAGAGTTACAAAATCAGCGGATGCTTGTCTTACAACTATCAAC[A>G]TTATGACATCCCCTAACATGCCAAAAGCTGTGTACATTGAGGATGTAATTGAAAGAGTTA-3'
Protein context (NP_597677.2, residues 1307-1327): SADACLTTIN[Ile1317Val]MTSPNMPKAV

ClinVar aggregate classification (germline): Uncertain significance. Review status: criteria provided, multiple submitters, no conflicts (2 of 4 stars). 2 submissions from 2 submitters: Uncertain significance (2). Last evaluated 2025-01-02.

Conditions:
Cornelia de Lange syndrome 1 (CDLS1). Also called: Brachmann de Lange syndrome; NIPBL-Related Cornelia de Lange Syndrome; TYPUS DEGENERATIVUS AMSTELODAMENSIS. Identifiers: Orphanet 199, MedGen C4551851, MONDO:0007387, OMIM 122470.

Submissions (2):

Women's Health and Genetics/Laboratory Corporation of America, LabCorp
Classification: Uncertain significance. Last evaluated: 2025-01-02. Review status: criteria provided, single submitter. Criteria: LabCorp Variant Classification Summary - May 2015. Collection method: clinical testing. Allele origin: germline.
Comment: Variant summary: NIPBL c.3949A>G (p.Ile1317Val) results in a conservative amino acid change in the encoded protein sequence. Four of five in-silico tools predict a benign effect of the variant on protein function. The variant was absent in 251226 control chromosomes. The available data on variant occurrences in the general population are insufficient to allow any conclusion about variant significance. To our knowledge, no occurrence of c.3949A>G in individuals affected with Cornelia De Lange Syndrome 1 and no experimental evidence demonstrating its impact on protein function have been reported. ClinVar contains an entry for this variant (Variation ID: 989375). Based on the evidence outlined above, the variant was classified as uncertain significance.

Illumina Laboratory Services, Illumina
Classification: Uncertain significance for Cornelia de Lange syndrome 1. Last evaluated: 2019-01-16. Review status: criteria provided, single submitter. Criteria: ICSLVariantClassificationCriteria RUGD 01 April 2020. Collection method: clinical testing. Allele origin: unknown.
Comment: The NIPBL c.3949A>G (p.Ile1317Val) variant is a missense variant. A literature search was performed for the gene, cDNA, and amino acid change. No publications were found based on this search. This variant is not found in the Genome Aggregation Database in a region of good sequencing coverage, so the variant is presumed to be rare. Based on the limited evidence, the p.Ile1317Val variant is classified as a variant of uncertain significance for Cornelia de Lange syndrome.